The following is an entry in ClinVar:

ClinVar aggregate classification (germline): Uncertain significance (1 of 4 stars; one submission).

Allele frequency attached by ClinVar (database versions not stated): TOPMed 0.00001; gnomAD exomes below 0.00001.
gnomAD v4.1: 3 of 1,613,918 alleles (0.00019%); highest among the groups gnomAD compares: Non-Finnish European, 0.00017%; no homozygotes.

Submission:

GeneDx
Classification: Uncertain significance. Last evaluated: 2025-10-02. Review status: criteria provided, single submitter. Criteria: GeneDx Variant Classification Process June 2021. Collection method: clinical testing. Allele origin: germline. Affected: yes.
Comment: Not observed at significant frequency in large population cohorts (gnomAD); In silico analysis supports that this missense variant has a deleterious effect on protein structure/function; This substitution is predicted to be within the extracellular loop between the S1 and S2 transmembrane segments of the fourth homologous domain; Has not been previously published as pathogenic or benign to our knowledge

NM_001040142.2(SCN2A):c.4657G>A (p.Asp1553Asn)

Gene: SCN2A (sodium voltage-gated channel alpha subunit 2; plus strand). Cytogenetic location: 2q24.3.
Variant type: single nucleotide variant.
Coding change: c.4657G>A on transcript NM_001040142.2 (MANE Select); coding-DNA position 4657, G replaced by A.
Protein change: p.Asp1553Asn; replaces aspartic acid 1553 with asparagine.
Molecular consequence: missense variant.
Genome position (GRCh38, 1-based): chr2:165,386,851, G>A. VCF-style: chr2-165386851-G-A. GRCh37 (hg19) VCF-style: chr2-166243361-G-A.
Other names: c.4657G>A, p.Asp1553Asn (NM_001040143.2, NM_001371246.1, NM_001371247.1 and 1 more transcripts); short protein forms D1553N.
Identifiers: ClinVar variation 1326818 (VCV001326818.4), dbSNP rs938310933, ClinGen allele CA59750986.